The following is an entry in ClinVar:

NM_000230.3(LEP):c.*4C>T

Gene: LEP (leptin; plus strand). Cytogenetic location: 7q32.1.
Variant type: single nucleotide variant.
Coding change: c.*4C>T on transcript NM_000230.3 (MANE Select); 4 bases downstream of the stop codon, C replaced by T.
Molecular consequence: 3 prime UTR variant.
Genome position (GRCh38, 1-based): chr7:128,254,767, C>T. VCF-style: chr7-128254767-C-T. GRCh37 (hg19) VCF-style: chr7-127894820-C-T.
Identifiers: ClinVar variation 3031515 (VCV003031515.2), dbSNP rs763150646, ClinGen allele CA4469732.
Genomic context (GRCh38, chr7:128,254,767, plus strand): 5'-CTGCAGGGGTCTCTGCAGGACATGCTGTGGCAGCTGGACCTCAGCCCTGGGTGCTGAGGC[C>T]TTGAAGGTCACTCTTCCTGCAAGGACTACGTTAAGGGAAGGAACTCTGGCTTCCAGGTAT-3'

ClinVar aggregate classification (germline): Likely benign (0 of 4 stars; one submission).

Conditions:
LEP-related disorder. Also called: LEP-related condition.

Allele frequency attached by ClinVar (database versions not stated): gnomAD 0.00001; TOPMed 0.00001; gnomAD exomes 0.00002; ExAC 0.00008.
gnomAD v4.1: 24 of 1,607,158 alleles (0.0015%); highest among the groups gnomAD compares: Non-Finnish European, 0.0017%; no homozygotes.

Submission:

PreventionGenetics, part of Exact Sciences
Classification: Likely benign for LEP-related condition. Last evaluated: 2023-12-08. Review status: no assertion criteria provided. Collection method: clinical testing. Allele origin: germline.
Comment: This variant is classified as likely benign based on ACMG/AMP sequence variant interpretation guidelines (Richards et al. 2015 PMID: 25741868, with internal and published modifications).